The following is an entry in ClinVar:

NM_005085.4(NUP214):c.268C>G (p.Pro90Ala)

Gene: NUP214 (nucleoporin 214; plus strand). Cytogenetic location: 9q34.13.
Variant type: single nucleotide variant.
Coding change: c.268C>G on transcript NM_005085.4 (MANE Select); coding-DNA position 268, C replaced by G.
Protein change: p.Pro90Ala; replaces proline 90 with alanine.
Molecular consequence: missense variant.
Genome position (GRCh38, 1-based): chr9:131,128,358, C>G. VCF-style: chr9-131128358-C-G. GRCh37 (hg19) VCF-style: chr9-134003745-C-G.
Other names: c.268C>G, p.Pro90Ala (NM_001318324.2); short protein forms P90A.
Identifiers: ClinVar variation 3025955 (VCV003025955.22), dbSNP rs375906479, ClinGen allele CA5288605.

ClinVar aggregate classification (germline): Uncertain significance (1 of 4 stars; one submission).

Allele frequency attached by ClinVar (database versions not stated): ExAC 0.00002; gnomAD 0.00005; TOPMed 0.00006; ESP Exome Variant Server 0.00008.
gnomAD v4.1: 48 of 1,612,514 alleles (0.003%); highest among the groups gnomAD compares: South Asian, 0.0033%; no homozygotes.

Submission:

CeGaT Center for Human Genetics Tuebingen
Classification: Uncertain significance. Last evaluated: 2024-02-01. Review status: criteria provided, single submitter. Criteria: CeGaT Center For Human Genetics Tuebingen Variant Classification Criteria Version 2. Collection method: clinical testing. Allele origin: germline. Affected: yes. Observed: 1 variant allele.
Comment: NUP214: PM2